The following is an entry in ClinVar:

NM_004540.5(NCAM2):c.56-69935G>A

Gene: NCAM2 (neural cell adhesion molecule 2; plus strand). Cytogenetic location: 21q21.1.
Variant type: single nucleotide variant.
Coding change: c.56-69935G>A on transcript NM_004540.5 (MANE Select); 69935 bases into the intron before coding-DNA position 56, G replaced by A.
Molecular consequence: intron variant. On other transcripts: missense variant (2).
Genome position (GRCh38, 1-based): chr21:21,210,643, G>A. VCF-style: chr21-21210643-G-A. GRCh37 (hg19) VCF-style: chr21-22582962-G-A.
Other names: c.82G>A, p.Glu28Lys (NM_001352592.2, NM_001352597.2); c.56-69935G>A (NM_001352591.2, NM_001352593.2, NM_001352594.2 and 1 more transcripts); c.56-81461G>A (NM_001352595.2); short protein forms E28K.
Identifiers: ClinVar variation 3043466 (VCV003043466.2), dbSNP rs556299601, ClinGen allele CA9984951.

ClinVar aggregate classification (germline): Likely benign (0 of 4 stars; one submission).

Conditions:
NCAM2-related disorder. Also called: NCAM2-related condition.

Allele frequency attached by ClinVar (database versions not stated): 1000 Genomes Project 30x 0.00125; gnomAD 0.00131; TOPMed 0.00180; gnomAD exomes 0.00019; 1000 Genomes Project 0.00120.
gnomAD v4.1: 416 of 1,284,078 alleles (0.032%); highest among the groups gnomAD compares: African/African-American, 0.48%; no homozygotes.

Submission:

PreventionGenetics, part of Exact Sciences
Classification: Likely benign for NCAM2-related condition. Last evaluated: 2019-03-20. Review status: no assertion criteria provided. Collection method: clinical testing. Allele origin: germline.
Comment: This variant is classified as likely benign based on ACMG/AMP sequence variant interpretation guidelines (Richards et al. 2015 PMID: 25741868, with internal and published modifications).